The following is an entry in ClinVar:

ClinVar aggregate classification (germline): Uncertain significance. Review status: criteria provided, multiple submitters, no conflicts (2 of 4 stars). 2 submissions from 2 submitters: Uncertain significance (2). Last evaluated 2026-01-09.

Allele frequency attached by ClinVar (database versions not stated): gnomAD 0.00001; ExAC 0.00002.
gnomAD v4.1: 17 of 1,613,404 alleles (0.0011%); highest among the groups gnomAD compares: African/African-American, 0.0027%; no homozygotes.

Submissions (2):

GeneDx
Classification: Uncertain significance. Last evaluated: 2026-01-09. Review status: criteria provided, single submitter. Criteria: GeneDx Variant Classification Process June 2021. Collection method: clinical testing. Allele origin: germline.
Comment: Not observed at significant frequency in large population cohorts (gnomAD); In silico analysis suggests that this missense variant does not alter protein structure/function; Has not been previously published as pathogenic or benign to our knowledge

Labcorp Genetics (formerly Invitae), Labcorp
Classification: Uncertain significance. Last evaluated: 2025-09-02. Review status: criteria provided, single submitter. Criteria: Invitae Variant Classification Sherloc (09022015). Collection method: clinical testing. Allele origin: germline.
Comment: This sequence change replaces glycine, which is neutral and non-polar, with arginine, which is basic and polar, at codon 1202 of the TRAPPC9 protein (p.Gly1202Arg). This variant is present in population databases (rs774014478, gnomAD 0.003%). This variant has not been reported in the literature in individuals affected with TRAPPC9-related conditions. ClinVar contains an entry for this variant (Variation ID: 1915858). An algorithm developed to predict the effect of missense changes on protein structure and function (PolyPhen-2) suggests that this variant is likely to be disruptive. In summary, the available evidence is currently insufficient to determine the role of this variant in disease. Therefore, it has been classified as a Variant of Uncertain Significance.

NM_001160372.4(TRAPPC9):c.3310G>A (p.Gly1104Arg)

Gene: TRAPPC9 (trafficking protein particle complex subunit 9; minus strand). Cytogenetic location: 8q24.3.
Variant type: single nucleotide variant.
Coding change: c.3310G>A on transcript NM_001160372.4 (MANE Select); coding-DNA position 3310, G replaced by A.
Protein change: p.Gly1104Arg; replaces glycine 1104 with arginine.
Molecular consequence: missense variant. On other transcripts: non-coding transcript variant (1).
Genome position (GRCh38, 1-based): chr8:139,731,198, C>T on the plus strand (G>A on the coding strand, the complement: TRAPPC9 is on the minus strand). VCF-style: chr8-139731198-C-T. GRCh37 (hg19) VCF-style: chr8-140743441-C-T.
Other names: c.3283G>A, p.Gly1095Arg (NM_001321646.2); c.3331G>A, p.Gly1111Arg (NM_001374682.1); c.3199G>A, p.Gly1067Arg (NM_001374683.1); c.3166G>A, p.Gly1056Arg (NM_001374684.1); c.3310G>A, p.Gly1104Arg (NM_031466.8); c.3604G>A (NM_031466.5); short protein forms G1056R, G1095R, G1067R, G1104R, G1111R.
Identifiers: ClinVar variation 1915858 (VCV001915858.6), dbSNP rs774014478, ClinGen allele CA4892730.